The following is an entry in ClinVar:

ClinVar aggregate classification (germline): Uncertain significance. Review status: criteria provided, multiple submitters, no conflicts (2 of 4 stars). 7 submissions from 7 submitters: Uncertain significance (5). 2 of the submissions do not count toward it. Last evaluated 2023-02-20.

Conditions:
Myopathy, lactic acidosis, and sideroblastic anemia. Also called: Mitochondrial myopathy and sideroblastic anemia; Myopathy with lactic acidosis and sideroblastic anemia. Identifiers: Orphanet 2598, MedGen C1838103, MONDO:0000863.
Inborn genetic diseases. Identifiers: MedGen C0950123, MeSH D030342.
Myopathy, lactic acidosis, and sideroblastic anemia 1 (MLASA1). Identifiers: Orphanet 2598, MedGen C4551958, MONDO:0024553, OMIM 600462.

Allele frequency attached by ClinVar (database versions not stated): gnomAD 0.00004; TOPMed 0.00006; ExAC 0.00007.

Submissions (7):

Revvity Omics, Revvity
Classification: Uncertain significance for Myopathy, lactic acidosis, and sideroblastic anemia 1. Last evaluated: 2023-02-20. Review status: criteria provided, single submitter. Criteria: ACMG Guidelines, 2015. Collection method: clinical testing. Allele origin: germline.

Ambry Genetics
Classification: Uncertain significance for Inborn genetic diseases. Last evaluated: 2022-09-07. Review status: criteria provided, single submitter. Criteria: Ambry Variant Classification Scheme 2023. Collection method: clinical testing. Allele origin: germline.

Labcorp Genetics (formerly Invitae), Labcorp
Classification: Uncertain significance. Last evaluated: 2021-11-19. Review status: criteria provided, single submitter. Criteria: Invitae Variant Classification Sherloc (09022015). Collection method: clinical testing. Allele origin: germline.
Comment: This sequence change replaces arginine, which is basic and polar, with tryptophan, which is neutral and slightly polar, at codon 215 of the PUS1 protein (p.Arg215Trp). This variant is present in population databases (rs776342428, gnomAD 0.05%). This variant has not been reported in the literature in individuals affected with PUS1-related conditions. ClinVar contains an entry for this variant (Variation ID: 307701). Algorithms developed to predict the effect of missense changes on protein structure and function are either unavailable or do not agree on the potential impact of this missense change (SIFT: "Deleterious"; PolyPhen-2: "Possibly Damaging"; Align-GVGD: "Class C0"). In summary, the available evidence is currently insufficient to determine the role of this variant in disease. Therefore, it has been classified as a Variant of Uncertain Significance.

Illumina Laboratory Services, Illumina
Classification: Uncertain significance for Myopathy, lactic acidosis, and sideroblastic anemia 1. Last evaluated: 2018-01-13. Review status: criteria provided, single submitter. Criteria: ICSL Variant Classification Criteria 13 December 2019. Collection method: clinical testing. Allele origin: germline.

Breakthrough Genomics
Classification: Uncertain significance. Review status: criteria provided, single submitter. Criteria: ACMG Guidelines, 2015. Collection method: not provided. Allele origin: germline. Inheritance: Autosomal recessive inheritance. Affected: yes.

Natera, Inc.
Classification: Uncertain significance for Mitochondrial myopathy and sideroblastic anemia. Last evaluated: 2020-05-20. Review status: no assertion criteria provided. Collection method: clinical testing. Allele origin: germline. Not counted in ClinVar's aggregate classification.

Department of Pathology and Laboratory Medicine, Sinai Health System
Classification: Uncertain significance. Review status: no assertion criteria provided. Collection method: clinical testing. Allele origin: unknown. Affected: yes. Study: The Canadian Open Genetics Repository (COGR). Not counted in ClinVar's aggregate classification.
Comment: The PUS1 p.Arg187Trp variant was not identified in the literature nor was it identified in Cosmic or LOVD 3.0. The variant was identified in dbSNP (ID: rs776342428) and in ClinVar (classified as a VUS by Illumina for Mitochondrial myopathy and sideroblastic anemia). The variant was also identified in control databases in 27 of 282832 chromosomes at a frequency of 0.000095 (Genome Aggregation Database Feb 27, 2017). The variant was observed in the following populations: Latino in 18 of 35436 chromosomes (freq: 0.000508), Ashkenazi Jewish in 2 of 10368 chromosomes (freq: 0.000193), Other in 1 of 7222 chromosomes (freq: 0.000139), South Asian in 4 of 30616 chromosomes (freq: 0.000131), African in 1 of 24972 chromosomes (freq: 0.00004) and European (non-Finnish) in 1 of 129142 chromosomes (freq: 0.000008); it was not observed in the East Asian, and European (Finnish) populations. The variant occurs outside of the splicing consensus sequence and 3 of 4 in silico or computational prediction software programs (MaxEntScan, NNSPLICE, GeneSplicer) do not predict a difference in splicing. The p.Arg187 residue is not conserved in mammals and computational analyses (PolyPhen-2, SIFT, AlignGVGD, BLOSUM, MutationTaster) provide inconsistent predictions regarding the impact to the protein; this information is not very predictive of pathogenicity. In summary, based on the above information the clinical significance of this variant cannot be determined with certainty at this time. This variant is classified as a variant of uncertain significance.

NM_025215.6(PUS1):c.643C>T (p.Arg215Trp)

Gene: PUS1 (pseudouridine synthase 1; plus strand). Cytogenetic location: 12q24.33.
Variant type: single nucleotide variant.
Coding change: c.643C>T on transcript NM_025215.6 (MANE Select); coding-DNA position 643, C replaced by T.
Protein change: p.Arg215Trp; replaces arginine 215 with tryptophan.
Molecular consequence: missense variant.
Genome position (GRCh38, 1-based): chr12:131,941,390, C>T. VCF-style: chr12-131941390-C-T. GRCh37 (hg19) VCF-style: chr12-132425935-C-T.
Other names: c.559C>T, p.Arg187Trp (NM_001002019.3, NM_001002020.3); short protein forms R215W, R187W.
Identifiers: ClinVar variation 307701 (VCV000307701.12), dbSNP rs776342428, ClinGen allele CA6884207.